The following is an entry in ClinVar:

NM_001257096.2(PAX1):c.185GCG[6] (p.Gly66dup)

Gene: PAX1 (paired box 1; plus strand). Cytogenetic location: 20p11.22.
Variant type: Microsatellite.
Coding change: c.185GCG[6] on transcript NM_001257096.2 (MANE Select); six copies in a row of the 3-base unit GCG starting at c.185; the reference has five copies in a row; one copy, 3 bases duplicated.
Protein change: p.Gly66dup; duplicates glycine 66.
Molecular consequence: inframe insertion.
Genome position (GRCh38, 1-based): chr20:21,705,909-21,705,911, GCG duplicated; duplicating any 3 consecutive bases within chr20:21,705,897-21,705,911 gives the same sequence; the position shown is the placement nearest the transcript's 3' end. VCF-style (leftmost placement, unchanged base first): chr20-21705896-C-CGCG. GRCh37 (hg19) VCF-style: chr20-21686534-C-CGCG.
Other names: c.185GCG[6], p.Gly66dup (NM_006192.5).
Identifiers: ClinVar variation 1019280 (VCV001019280.6), dbSNP rs778840655, ClinGen allele CA635269574.
Genomic context (GRCh38, chr20:21,705,896, plus strand): 5'-AGCCCGCGGCTGGGCCGCCGCGGCTCTCGGCTCTCGGGCGCCCTCCCTCTATGCCTCTCA[C>CGCG]GCGGCGGCGGCGGCGCCCAAGCTCTCCCGGACTGCGCCGGGCCCAGCCCCGGCCACCCCG-3'

ClinVar aggregate classification (germline): Uncertain significance (1 of 4 stars; one submission).

Submission:

Labcorp Genetics (formerly Invitae), Labcorp
Classification: Uncertain significance. Last evaluated: 2022-06-24. Review status: criteria provided, single submitter. Criteria: Invitae Variant Classification Sherloc (09022015). Collection method: clinical testing. Allele origin: germline.
Comment: This variant, c.197_199dup, results in the insertion of 1 amino acid(s) of the PAX1 protein (p.Gly66dup), but otherwise preserves the integrity of the reading frame. This variant is present in population databases (no rsID available, gnomAD 0.003%). This variant has not been reported in the literature in individuals affected with PAX1-related conditions. Experimental studies and prediction algorithms are not available or were not evaluated, and the functional significance of this variant is currently unknown. In summary, the available evidence is currently insufficient to determine the role of this variant in disease. Therefore, it has been classified as a Variant of Uncertain Significance.